The following is an entry in ClinVar:

NM_138393.4(REEP6):c.482G>A (p.Arg161Gln)

Gene: REEP6 (receptor accessory protein 6; plus strand). Cytogenetic location: 19p13.3.
Variant type: single nucleotide variant.
Coding change: c.482G>A on transcript NM_138393.4 (MANE Select); coding-DNA position 482, G replaced by A.
Protein change: p.Arg161Gln; replaces arginine 161 with glutamine.
Molecular consequence: missense variant.
Genome position (GRCh38, 1-based): chr19:1,496,418, G>A. VCF-style: chr19-1496418-G-A. GRCh37 (hg19) VCF-style: chr19-1496417-G-A.
Other names: c.482G>A, p.Arg161Gln (NM_001329556.3); c.482G>A (NM_138393.1); short protein forms R161Q.
Identifiers: ClinVar variation 1056598 (VCV001056598.8), dbSNP rs373970709, ClinGen allele CA9047590.

ClinVar aggregate classification (germline): Uncertain significance. Review status: criteria provided, multiple submitters, no conflicts (2 of 4 stars). 2 submissions from 2 submitters: Uncertain significance (2). Last evaluated 2024-10-23.

Conditions:
Inborn genetic diseases. Identifiers: MedGen C0950123, MeSH D030342.

Allele frequency attached by ClinVar (database versions not stated): ExAC 0.00004; gnomAD exomes 0.00004; gnomAD 0.00006; TOPMed 0.00006; ESP Exome Variant Server 0.00008.

Submissions (2):

Labcorp Genetics (formerly Invitae), Labcorp
Classification: Uncertain significance. Last evaluated: 2024-10-23. Review status: criteria provided, single submitter. Criteria: Invitae Variant Classification Sherloc (09022015). Collection method: clinical testing. Allele origin: germline.
Comment: This sequence change replaces arginine, which is basic and polar, with glutamine, which is neutral and polar, at codon 161 of the REEP6 protein (p.Arg161Gln). This variant is present in population databases (rs373970709, gnomAD 0.008%). This variant has not been reported in the literature in individuals affected with REEP6-related conditions. ClinVar contains an entry for this variant (Variation ID: 1056598). Experimental studies and prediction algorithms are not available or were not evaluated, and the functional significance of this variant is currently unknown. In summary, the available evidence is currently insufficient to determine the role of this variant in disease. Therefore, it has been classified as a Variant of Uncertain Significance.

Ambry Genetics
Classification: Uncertain significance for Inborn genetic diseases. Last evaluated: 2023-01-26. Review status: criteria provided, single submitter. Criteria: Ambry Variant Classification Scheme 2023. Collection method: clinical testing. Allele origin: germline.